The following is an entry in ClinVar:

NM_004260.4(RECQL4):c.53del (p.Phe18fs)

Genes: RECQL4 (RecQ like helicase 4; minus strand), LOC130001411 (ATAC-STARR-seq lymphoblastoid silent region 19699; plus strand). Cytogenetic location: 8q24.3.
Variant type: Deletion.
Coding change: c.53del on transcript NM_004260.4 (MANE Select); coding-DNA position 53, one base deleted (T; older notation c.53delT).
Protein change: p.Phe18fs; shifts the reading frame from phenylalanine 18.
Molecular consequence: frameshift variant.
Genome position (GRCh38, 1-based): chr8:144,517,732, A deleted on the plus strand (T on the coding strand, the reverse complement: RECQL4 is on the minus strand); the first of 2 consecutive A bases (chr8:144,517,732-144,517,733); deleting either gives the same sequence. VCF-style (leftmost placement, unchanged base first): chr8-144517731-GA-G. GRCh37 (hg19) VCF-style: chr8-145743115-GA-G.
Other names: short protein forms F18fs.
Identifiers: ClinVar variation 1456101 (VCV001456101.6), dbSNP rs2130745716, ClinGen allele CA2573142958.

ClinVar aggregate classification (germline): Pathogenic (1 of 4 stars; one submission).

Conditions:
Baller-Gerold syndrome (BGS). Also called: CRANIOSYNOSTOSIS WITH RADIAL DEFECTS. Identifiers: Orphanet 1225, MedGen C0265308, MONDO:0009039, OMIM 218600.

Submission:

Labcorp Genetics (formerly Invitae), Labcorp
Classification: Pathogenic for Baller-Gerold syndrome. Last evaluated: 2022-07-26. Review status: criteria provided, single submitter. Criteria: Invitae Variant Classification Sherloc (09022015). Collection method: clinical testing. Allele origin: germline.
Comment: ClinVar contains an entry for this variant (Variation ID: 1456101). This variant has not been reported in the literature in individuals affected with RECQL4-related conditions. This variant is not present in population databases (gnomAD no frequency). For these reasons, this variant has been classified as Pathogenic. This sequence change creates a premature translational stop signal (p.Phe18Serfs*31) in the RECQL4 gene. It is expected to result in an absent or disrupted protein product. Loss-of-function variants in RECQL4 are known to be pathogenic (PMID: 12734318, 12952869).

Literature cited by the submitters: PubMed 12734318; PubMed 12952869.